The following is an entry in ClinVar:

NM_018296.6(LRRC36):c.2178G>A (p.Thr726=)

Gene: LRRC36 (leucine rich repeat containing 36; plus strand). Cytogenetic location: 16q22.1.
Variant type: single nucleotide variant.
Coding change: c.2178G>A on transcript NM_018296.6 (MANE Select); coding-DNA position 2178, G replaced by A.
Protein change: p.Thr726=; no amino-acid change (threonine 726 retained).
Molecular consequence: synonymous variant.
Genome position (GRCh38, 1-based): chr16:67,385,002, G>A. VCF-style: chr16-67385002-G-A. GRCh37 (hg19) VCF-style: chr16-67418905-G-A.
Other names: c.1815G>A, p.Thr605= (NM_001161575.2).
Identifiers: ClinVar variation 4873374 (VCV004873374.2).

ClinVar aggregate classification (germline): Likely benign (1 of 4 stars; one submission).

gnomAD v4.1: 18 of 1,614,182 alleles (0.0011%); highest among the groups gnomAD compares: South Asian, 0.0044%; no homozygotes.

Submission:

CeGaT Center for Human Genetics Tuebingen
Classification: Likely benign. Last evaluated: 2026-03-01. Review status: criteria provided, single submitter. Criteria: CeGaT Center For Human Genetics Tuebingen Variant Classification Criteria Version 2. Collection method: clinical testing. Allele origin: germline. Affected: yes. Observed: 1 variant allele.
Comment: LRRC36: BP4, BP7